The following is an entry in ClinVar:

ClinVar aggregate classification (germline): Likely benign (1 of 4 stars; one submission).

gnomAD v4.1: 1,067 of 1,246,018 alleles (0.086%); highest among the groups gnomAD compares: Non-Finnish European, 0.11%; 2 homozygotes.

Submission:

CeGaT Center for Human Genetics Tuebingen
Classification: Likely benign. Last evaluated: 2026-07-01. Review status: criteria provided, single submitter. Criteria: CeGaT Center For Human Genetics Tuebingen Variant Classification Criteria Version 2. Collection method: clinical testing. Allele origin: germline. Affected: yes. Observed: 1 variant allele.
Comment: EGR2: BP4, BP7

NM_001136178.2(EGR2):c.-44C>T

Gene: EGR2 (early growth response 2; minus strand). Cytogenetic location: 10q21.3.
Variant type: single nucleotide variant.
Coding change: c.-44C>T on transcript NM_001136178.2; 44 bases upstream of the start codon, C replaced by T.
Molecular consequence: 5 prime UTR variant. On other transcripts: synonymous variant (1).
Genome position (GRCh38, 1-based): chr10:62,818,544, G>A on the plus strand (C>T on the coding strand, the complement: EGR2 is on the minus strand). VCF-style: chr10-62818544-G-A. GRCh37 (hg19) VCF-style: chr10-64578304-G-A.
Other names: c.96C>T, p.His32= (NM_001410931.1).
Identifiers: ClinVar variation 4872026 (VCV004872026.2).